The following is an entry in ClinVar:

NM_000433.4(NCF2):c.1190G>A (p.Arg397Gln)

Gene: NCF2 (neutrophil cytosolic factor 2; minus strand). Cytogenetic location: 1q25.3.
Variant type: single nucleotide variant.
Coding change: c.1190G>A on transcript NM_000433.4 (MANE Select); coding-DNA position 1190, G replaced by A.
Protein change: p.Arg397Gln; replaces arginine 397 with glutamine.
Molecular consequence: missense variant.
Genome position (GRCh38, 1-based): chr1:183,563,295, C>T on the plus strand (G>A on the coding strand, the complement: NCF2 is on the minus strand). VCF-style: chr1-183563295-C-T. GRCh37 (hg19) VCF-style: chr1-183532430-C-T.
Other names: c.1190G>A, p.Arg397Gln (NM_001127651.3); c.947G>A, p.Arg316Gln (NM_001190789.2); c.1055G>A, p.Arg352Gln (NM_001190794.2); c.1082G>A, p.Arg361Gln (NM_001410895.1); short protein forms R352Q, R316Q, R361Q, R397Q.
Identifiers: ClinVar variation 1925922 (VCV001925922.3), dbSNP rs370251291, ClinGen allele CA34021126.

ClinVar aggregate classification (germline): Uncertain significance. Review status: criteria provided, multiple submitters, no conflicts (2 of 4 stars). 2 submissions from 2 submitters: Uncertain significance (2). Last evaluated 2025-10-14.

Conditions:
Inborn genetic diseases. Identifiers: MedGen C0950123, MeSH D030342.
Granulomatous disease, chronic, autosomal recessive, cytochrome b-positive, type 2. Also called: GRANULOMATOUS DISEASE, CHRONIC, AUTOSOMAL RECESSIVE, 2; Chronic granulomatous disease due to deficiency of NCF-2; GRANULOMATOUS DISEASE, CHRONIC, DUE TO NCF2 DEFICIENCY; Chronic Granulomatous Disease, Autosomal Recessive, Cytochrome b-Positive, Type II; CGD, AUTOSOMAL RECESSIVE CYTOCHROME b-POSITIVE, TYPE II. Identifiers: Orphanet 379, MedGen C1856245, MONDO:0009310, OMIM 233710.

Allele frequency attached by ClinVar (database versions not stated): gnomAD 0.00001; ESP Exome Variant Server 0.00008.
gnomAD v4.1: 4 of 1,613,964 alleles (0.00025%); highest among the groups gnomAD compares: Admixed American, 0.0017%; no homozygotes.

Submissions (2):

Ambry Genetics
Classification: Uncertain significance for Inborn genetic diseases. Last evaluated: 2025-10-14. Review status: criteria provided, single submitter. Criteria: Ambry Variant Classification Scheme 2023. Collection method: clinical testing. Allele origin: germline.

Labcorp Genetics (formerly Invitae), Labcorp
Classification: Uncertain significance for Granulomatous disease, chronic, autosomal recessive, cytochrome b-positive, type 2. Last evaluated: 2022-10-17. Review status: criteria provided, single submitter. Criteria: Invitae Variant Classification Sherloc (09022015). Collection method: clinical testing. Allele origin: germline.
Comment: This sequence change replaces arginine, which is basic and polar, with glutamine, which is neutral and polar, at codon 397 of the NCF2 protein (p.Arg397Gln). This variant is present in population databases (rs370251291, gnomAD 0.003%). This variant has not been reported in the literature in individuals affected with NCF2-related conditions. Advanced modeling of protein sequence and biophysical properties (such as structural, functional, and spatial information, amino acid conservation, physicochemical variation, residue mobility, and thermodynamic stability) performed at Invitae indicates that this missense variant is not expected to disrupt NCF2 protein function. In summary, the available evidence is currently insufficient to determine the role of this variant in disease. Therefore, it has been classified as a Variant of Uncertain Significance.